The following is an entry in ClinVar:

ClinVar aggregate classification (germline): Uncertain significance. Review status: criteria provided, multiple submitters, no conflicts (2 of 4 stars). 2 submissions from 2 submitters: Uncertain significance (2). Last evaluated 2023-09-01.

Conditions:
Inborn genetic diseases. Identifiers: MedGen C0950123, MeSH D030342.

Allele frequency attached by ClinVar (database versions not stated): gnomAD 0.00001; gnomAD exomes 0.00001; TOPMed 0.00001.

Submissions (2):

Labcorp Genetics (formerly Invitae), Labcorp
Classification: Uncertain significance. Last evaluated: 2023-09-01. Review status: criteria provided, single submitter. Criteria: Invitae Variant Classification Sherloc (09022015). Collection method: clinical testing. Allele origin: germline.
Comment: This sequence change replaces arginine, which is basic and polar, with cysteine, which is neutral and slightly polar, at codon 313 of the TBXA2R protein (p.Arg313Cys). In summary, the available evidence is currently insufficient to determine the role of this variant in disease. Therefore, it has been classified as a Variant of Uncertain Significance. Advanced modeling of protein sequence and biophysical properties (such as structural, functional, and spatial information, amino acid conservation, physicochemical variation, residue mobility, and thermodynamic stability) performed at Invitae indicates that this missense variant is expected to disrupt TBXA2R protein function. ClinVar contains an entry for this variant (Variation ID: 2520851). This variant has not been reported in the literature in individuals affected with TBXA2R-related conditions. The frequency data for this variant in the population databases is considered unreliable, as metrics indicate poor data quality at this position in the gnomAD database.

Ambry Genetics
Classification: Uncertain significance for Inborn genetic diseases. Last evaluated: 2023-05-05. Review status: criteria provided, single submitter. Criteria: Ambry Variant Classification Scheme 2023. Collection method: clinical testing. Allele origin: germline.

NM_001060.6(TBXA2R):c.937C>T (p.Arg313Cys)

Gene: TBXA2R (thromboxane A2 receptor; minus strand). Cytogenetic location: 19p13.3.
Variant type: single nucleotide variant.
Coding change: c.937C>T on transcript NM_001060.6 (MANE Select); coding-DNA position 937, C replaced by T.
Protein change: p.Arg313Cys; replaces arginine 313 with cysteine.
Molecular consequence: missense variant.
Genome position (GRCh38, 1-based): chr19:3,595,783, G>A on the plus strand (C>T on the coding strand, the complement: TBXA2R is on the minus strand). VCF-style: chr19-3595783-G-A. GRCh37 (hg19) VCF-style: chr19-3595781-G-A.
Other names: c.937C>T, p.Arg313Cys (NM_201636.3); short protein forms R313C.
Identifiers: ClinVar variation 2520851 (VCV002520851.5), dbSNP rs1042101362, ClinGen allele CA304367902.